The following is an entry in ClinVar:

ClinVar aggregate classification (germline): Likely benign. Review status: criteria provided, multiple submitters, no conflicts (2 of 4 stars). 2 submissions from 2 submitters: Likely benign (2). Last evaluated 2025-10-21.

Conditions:
ABCC6-related disorder. Also called: ABCC6-related condition.

Allele frequency attached by ClinVar (database versions not stated): ExAC 0.00002; gnomAD exomes 0.00003; gnomAD 0.00009 and 0.00011; TOPMed 0.00012.
gnomAD v4.1: 59 of 1,614,018 alleles (0.0037%); highest among the groups gnomAD compares: African/African-American, 0.031%; no homozygotes.

Submissions (2):

Labcorp Genetics (formerly Invitae), Labcorp
Classification: Likely benign. Last evaluated: 2025-10-21. Review status: criteria provided, single submitter. Criteria: Invitae Variant Classification Sherloc (09022015). Collection method: clinical testing. Allele origin: germline.

PreventionGenetics, part of Exact Sciences
Classification: Likely benign for ABCC6-related condition. Last evaluated: 2025-08-09. Review status: criteria provided, single submitter. Criteria: ACMG Guidelines, 2015. Collection method: clinical testing. Allele origin: germline.
Comment: This variant is classified as likely benign based on ACMG/AMP sequence variant interpretation guidelines (Richards et al. 2015 PMID: 25741868, with internal and published modifications).

NM_001171.6(ABCC6):c.1323C>T (p.Phe441=)

Gene: ABCC6 (ATP binding cassette subfamily C member 6; minus strand). Cytogenetic location: 16p13.11.
Variant type: single nucleotide variant.
Coding change: c.1323C>T on transcript NM_001171.6 (MANE Select); coding-DNA position 1323, C replaced by T.
Protein change: p.Phe441=; no amino-acid change (phenylalanine 441 retained).
Molecular consequence: synonymous variant. On other transcripts: non-coding transcript variant (1).
Genome position (GRCh38, 1-based): chr16:16,198,036, G>A on the plus strand (C>T on the coding strand, the complement: ABCC6 is on the minus strand). VCF-style: chr16-16198036-G-A. GRCh37 (hg19) VCF-style: chr16-16291893-G-A.
Other names: c.1323C>T (NM_001171.5); c.981C>T, p.Phe327= (NM_001351800.1).
Identifiers: ClinVar variation 1597616 (VCV001597616.9), dbSNP rs200519199, ClinGen allele CA7926366.